The following is an entry in ClinVar:

NM_001374623.1(PNPLA1):c.376C>G (p.Arg126Gly)

Gene: PNPLA1 (patatin like phospholipase domain containing 1; plus strand). Cytogenetic location: 6p21.31.
Variant type: single nucleotide variant.
Coding change: c.376C>G on transcript NM_001374623.1 (MANE Select); coding-DNA position 376, C replaced by G.
Protein change: p.Arg126Gly; replaces arginine 126 with glycine.
Molecular consequence: missense variant.
Genome position (GRCh38, 1-based): chr6:36,291,490, C>G. VCF-style: chr6-36291490-C-G. GRCh37 (hg19) VCF-style: chr6-36259267-C-G.
Other names: c.91C>G, p.Arg31Gly (NM_001145716.2, NM_173676.2); c.376C>G, p.Arg126Gly (NM_001145717.1); short protein forms R126G, R31G.
Identifiers: ClinVar variation 1700562 (VCV001700562.2), dbSNP rs762919939, ClinGen allele CA363811478.

ClinVar aggregate classification (germline): Uncertain significance (1 of 4 stars; one submission).

gnomAD v4.1: 1 of 1,583,020 alleles (0.000063%); highest among the groups gnomAD compares: Non-Finnish European, 0.000086%; no homozygotes.

Submission:

GeneDx
Classification: Uncertain significance. Last evaluated: 2020-11-24. Review status: criteria provided, single submitter. Criteria: GeneDx Variant Classification Process June 2021. Collection method: clinical testing. Allele origin: germline. Affected: yes.
Comment: Not observed in large population cohorts (gnomAD); In silico analysis supports that this missense variant has a deleterious effect on protein structure/function; In-silico analysis is inconclusive as to whether the variant alters gene splicing. In the absence of RNA/functional studies, the actual effect of this sequence change is unknown.; Has not been previously published as pathogenic or benign to our knowledge